The following is an entry in ClinVar:

NM_176824.3(BBS7):c.127G>A (p.Val43Ile)

Gene: BBS7 (Bardet-Biedl syndrome 7; minus strand). Cytogenetic location: 4q27.
Variant type: single nucleotide variant.
Coding change: c.127G>A on transcript NM_176824.3 (MANE Select); coding-DNA position 127, G replaced by A.
Protein change: p.Val43Ile; replaces valine 43 with isoleucine.
Molecular consequence: missense variant.
Genome position (GRCh38, 1-based): chr4:121,863,255, C>T on the plus strand (G>A on the coding strand, the complement: BBS7 is on the minus strand). VCF-style: chr4-121863255-C-T. GRCh37 (hg19) VCF-style: chr4-122784410-C-T.
Other names: c.127G>A (NM_176824.2); c.127G>A, p.Val43Ile (NM_018190.4); short protein forms V43I.
Identifiers: ClinVar variation 1987070 (VCV001987070.2), dbSNP rs190999071, ClinGen allele CA3064592.

ClinVar aggregate classification (germline): Uncertain significance. Review status: criteria provided, multiple submitters, no conflicts (2 of 4 stars). 2 submissions from 2 submitters: Uncertain significance (2). Last evaluated 2025-09-03.

Conditions:
BBS7-related disorder. Also called: BBS7-related condition.
Bardet-Biedl syndrome (BBS). Identifiers: Orphanet 110, MedGen C0752166, MONDO:0015229.

Allele frequency attached by ClinVar (database versions not stated): gnomAD exomes below 0.00001; ExAC 0.00001; gnomAD 0.00003; TOPMed 0.00003; 1000 Genomes Project 0.00020; 1000 Genomes Project 30x 0.00031.

Submissions (2):

PreventionGenetics, part of Exact Sciences
Classification: Uncertain significance for BBS7-related condition. Last evaluated: 2025-09-03. Review status: criteria provided, single submitter. Criteria: ACMG Guidelines, 2015. Collection method: clinical testing. Allele origin: germline.
Comment: The BBS7 c.127G>A variant is predicted to result in the amino acid substitution p.Val43Ile. To our knowledge, this variant has not been reported in the literature or in a large population database (gnomAD), indicating this variant is rare. At this time, the clinical significance of this variant is uncertain due to the absence of conclusive functional and genetic evidence.

Labcorp Genetics (formerly Invitae), Labcorp
Classification: Uncertain significance for Bardet-Biedl syndrome. Last evaluated: 2022-04-12. Review status: criteria provided, single submitter. Criteria: Invitae Variant Classification Sherloc (09022015). Collection method: clinical testing. Allele origin: germline.
Comment: This sequence change replaces valine, which is neutral and non-polar, with isoleucine, which is neutral and non-polar, at codon 43 of the BBS7 protein (p.Val43Ile). This variant is present in population databases (rs190999071, gnomAD 0.007%). This variant has not been reported in the literature in individuals affected with BBS7-related conditions. Algorithms developed to predict the effect of missense changes on protein structure and function output the following: SIFT: "Tolerated"; PolyPhen-2: "Benign"; Align-GVGD: "Class C0". The isoleucine amino acid residue is found in multiple mammalian species, which suggests that this missense change does not adversely affect protein function. In summary, the available evidence is currently insufficient to determine the role of this variant in disease. Therefore, it has been classified as a Variant of Uncertain Significance.